The following is an entry in ClinVar:

NM_182961.4(SYNE1):c.3090G>T (p.Arg1030Ser)

Gene: SYNE1 (spectrin repeat containing nuclear envelope protein 1; minus strand). Cytogenetic location: 6q25.2.
Variant type: single nucleotide variant.
Coding change: c.3090G>T on transcript NM_182961.4 (MANE Select); coding-DNA position 3090, G replaced by T.
Protein change: p.Arg1030Ser; replaces arginine 1030 with serine.
Molecular consequence: missense variant.
Genome position (GRCh38, 1-based): chr6:152,451,143, C>A on the plus strand (G>T on the coding strand, the complement: SYNE1 is on the minus strand). VCF-style: chr6-152451143-C-A. GRCh37 (hg19) VCF-style: chr6-152772278-C-A.
Other names: c.3111G>T, p.Arg1037Ser (NM_033071.5); short protein forms R1030S, R1037S.
Identifiers: ClinVar variation 999511 (VCV000999511.8), dbSNP rs925892033, ClinGen allele CA150238019.

ClinVar aggregate classification (germline): Uncertain significance (1 of 4 stars; one submission).

Conditions:
Autosomal recessive ataxia, Beauce type. Also called: ATAXIA, RECESSIVE, OF BEAUCE; Spinocerebellar ataxia, autosomal recessive 8; SYNE1-Related Autosomal Recessive Cerebellar Ataxia; SYNE1 Deficiency. Identifiers: Orphanet 88644, MedGen C1853116, MONDO:0012549, OMIM 610743.
Emery-Dreifuss muscular dystrophy 4, autosomal dominant (EDMD4). Also called: EMERY-DREIFUSS MUSCULAR DYSTROPHY 4 WITH VARIABLE FEATURES. Identifiers: Orphanet 261, MedGen C2751807, MONDO:0013071, OMIM 612998.

Allele frequency attached by ClinVar (database versions not stated): TOPMed 0.00001.
gnomAD v4.1: 4 of 1,613,962 alleles (0.00025%); highest among the groups gnomAD compares: Non-Finnish European, 0.00034%; no homozygotes.

Submission:

Labcorp Genetics (formerly Invitae), Labcorp
Classification: Uncertain significance for Emery-Dreifuss muscular dystrophy 4, autosomal dominant; Autosomal recessive ataxia, Beauce type. Last evaluated: 2022-11-08. Review status: criteria provided, single submitter. Criteria: Invitae Variant Classification Sherloc (09022015). Collection method: clinical testing. Allele origin: germline.
Comment: ClinVar contains an entry for this variant (Variation ID: 999511). In summary, the available evidence is currently insufficient to determine the role of this variant in disease. Therefore, it has been classified as a Variant of Uncertain Significance. Algorithms developed to predict the effect of missense changes on protein structure and function are either unavailable or do not agree on the potential impact of this missense change (SIFT: "Deleterious"; PolyPhen-2: "Benign"; Align-GVGD: "Class C0"). This variant has not been reported in the literature in individuals affected with SYNE1-related conditions. This variant is present in population databases (no rsID available, gnomAD 0.007%). This sequence change replaces arginine, which is basic and polar, with serine, which is neutral and polar, at codon 1037 of the SYNE1 protein (p.Arg1037Ser).